The following is an entry in ClinVar:

NM_133259.4(LRPPRC):c.3825+15C>T

Gene: LRPPRC (leucine rich pentatricopeptide repeat containing; minus strand). Cytogenetic location: 2p21.
Variant type: single nucleotide variant.
Coding change: c.3825+15C>T on transcript NM_133259.4 (MANE Select); 15 bases into the intron after coding-DNA position 3825, C replaced by T.
Molecular consequence: intron variant.
Genome position (GRCh38, 1-based): chr2:43,899,204, G>A on the plus strand (C>T on the coding strand, the complement: LRPPRC is on the minus strand). VCF-style: chr2-43899204-G-A. GRCh37 (hg19) VCF-style: chr2-44126343-G-A.
Identifiers: ClinVar variation 138154 (VCV000138154.9), dbSNP rs374967275, ClinGen allele CA291988.

ClinVar aggregate classification (germline): Benign/Likely benign. Review status: criteria provided, multiple submitters, no conflicts (2 of 4 stars). 3 submissions from 3 submitters: Benign (1); Likely benign (2). Last evaluated 2026-01-24.

Allele frequency attached by ClinVar (database versions not stated): ESP Exome Variant Server 0.00008; gnomAD exomes 0.00013; gnomAD 0.00014 and 0.00015; ExAC 0.00015; TOPMed 0.00017.
gnomAD v4.1: 341 of 1,575,782 alleles (0.022%); highest among the groups gnomAD compares: Non-Finnish European, 0.028%; 1 homozygote.

Submissions (3):

Labcorp Genetics (formerly Invitae), Labcorp
Classification: Likely benign. Last evaluated: 2026-01-24. Review status: criteria provided, single submitter. Criteria: Invitae Variant Classification Sherloc (09022015). Collection method: clinical testing. Allele origin: germline.

Blueprint Genetics
Classification: Likely benign. Last evaluated: 2024-01-15. Review status: criteria provided, single submitter. Criteria: ACMG Guidelines, 2015. Collection method: clinical testing. Allele origin: germline.

GeneDx
Classification: Benign. Last evaluated: 2014-03-25. Review status: criteria provided, single submitter. Criteria: GeneDx Variant Classification (06012015). Collection method: clinical testing. Allele origin: germline. Affected: yes.
Comment: This variant is considered likely benign or benign based on one or more of the following criteria: it is a conservative change, it occurs at a poorly conserved position in the protein, it is predicted to be benign by multiple in silico algorithms, and/or has population frequency not consistent with disease.